The following is an entry in ClinVar:

NM_020436.5(SALL4):c.2424dup (p.Ala809fs)

Gene: SALL4 (spalt like transcription factor 4; minus strand). Cytogenetic location: 20q13.2.
Variant type: Duplication.
Coding change: c.2424dup on transcript NM_020436.5 (MANE Select); coding-DNA position 2424, one base duplicated (A; older notation c.2424dupA).
Protein change: p.Ala809fs; shifts the reading frame from alanine 809.
Molecular consequence: frameshift variant. On other transcripts: intron variant (1).
Genome position (GRCh38, 1-based): chr20:51,790,059, T duplicated on the plus strand (A on the coding strand, the reverse complement: SALL4 is on the minus strand); the first of 3 consecutive T bases (chr20:51,790,059-51,790,061); duplicating any one gives the same sequence. VCF-style (leftmost placement, unchanged base first): chr20-51790058-C-CT. GRCh37 (hg19) VCF-style: chr20-50406597-C-CT.
Other names: c.1151-918dup (NM_001318031.2); short protein forms A809fs.
Identifiers: ClinVar variation 2756162 (VCV002756162.3), dbSNP rs2515714702, ClinGen allele CA2697547426.

ClinVar aggregate classification (germline): Pathogenic (1 of 4 stars; one submission).

Conditions:
Duane-radial ray syndrome (DRRS). Also called: ACRORENOOCULAR SYNDROME; DR SYNDROME; DUANE ANOMALY WITH RADIAL RAY ABNORMALITIES AND DEAFNESS; Okihiro Syndrome; Duane-Radial Ray Syndrome/Okihiro Syndrome; Duane-Radial Ray Syndrome (DRRS) / Okihiro Syndrome. Identifiers: Orphanet 93293, Orphanet 959, MedGen C1623209, MONDO:0011812, OMIM 607323. Disease mechanism: gain of function.

Submission:

Labcorp Genetics (formerly Invitae), Labcorp
Classification: Pathogenic for Duane-radial ray syndrome. Last evaluated: 2023-08-28. Review status: criteria provided, single submitter. Criteria: Invitae Variant Classification Sherloc (09022015). Collection method: clinical testing. Allele origin: germline.
Comment: This variant is not present in population databases (gnomAD no frequency). This variant has not been reported in the literature in individuals affected with SALL4-related conditions. For these reasons, this variant has been classified as Pathogenic. This sequence change creates a premature translational stop signal (p.Ala809Serfs*10) in the SALL4 gene. It is expected to result in an absent or disrupted protein product. Loss-of-function variants in SALL4 are known to be pathogenic (PMID: 15342710, 16086360).

Literature cited by the submitters: PubMed 15342710; PubMed 16086360.